The following is an entry in ClinVar:

ClinVar aggregate classification (germline): Uncertain significance (1 of 4 stars; one submission).

Conditions:
Familial adenomatous polyposis 1 (FAP1). Also called: FAMILIAL ADENOMATOUS POLYPOSIS 1, ATTENUATED; POLYPOSIS, ADENOMATOUS INTESTINAL. Identifiers: MedGen C2713442, MONDO:0021056, OMIM 175100. Disease mechanism: loss of function.

Submission:

Labcorp Genetics (formerly Invitae), Labcorp
Classification: Uncertain significance for Familial adenomatous polyposis 1. Last evaluated: 2021-06-17. Review status: criteria provided, single submitter. Criteria: Invitae Variant Classification Sherloc (09022015). Collection method: clinical testing. Allele origin: germline.
Comment: In summary, the available evidence is currently insufficient to determine the role of this variant in disease. Therefore, it has been classified as a Variant of Uncertain Significance. Algorithms developed to predict the effect of missense changes on protein structure and function (SIFT, PolyPhen-2, Align-GVGD) all suggest that this variant is likely to be tolerated, but these predictions have not been confirmed by published functional studies and their clinical significance is uncertain. This variant has not been reported in the literature in individuals with APC-related conditions. This variant is not present in population databases (ExAC no frequency). This sequence change replaces serine with glycine at codon 2260 of the APC protein (p.Ser2260Gly). The serine residue is highly conserved and there is a small physicochemical difference between serine and glycine.

NM_000038.6(APC):c.6778A>G (p.Ser2260Gly)

Gene: APC (APC regulator of Wnt signaling pathway; plus strand). Cytogenetic location: 5q22.2.
Variant type: single nucleotide variant.
Coding change: c.6778A>G on transcript NM_000038.6 (MANE Select); coding-DNA position 6778, A replaced by G.
Protein change: p.Ser2260Gly; replaces serine 2260 with glycine.
Molecular consequence: missense variant.
Genome position (GRCh38, 1-based): chr5:112,842,372, A>G. VCF-style: chr5-112842372-A-G. GRCh37 (hg19) VCF-style: chr5-112178069-A-G.
Other names: c.6778A>G, p.Ser2260Gly (NM_001127510.3, NM_001354895.2); c.6724A>G, p.Ser2242Gly (NM_001127511.3); c.6832A>G, p.Ser2278Gly (NM_001354896.2); c.6808A>G, p.Ser2270Gly (NM_001354897.2); c.6703A>G, p.Ser2235Gly (NM_001354898.2); c.6694A>G, p.Ser2232Gly (NM_001354899.2); c.6655A>G, p.Ser2219Gly (NM_001354900.2); c.6601A>G, p.Ser2201Gly (NM_001354901.2); and 5 more; short protein forms S1977G, S2278G, S2134G, S2159G, S2232G, S2270G, S2169G, S2219G.
Identifiers: ClinVar variation 1476175 (VCV001476175.8), dbSNP rs2149972924, ClinGen allele CA16036135.